The following is an entry in ClinVar:

NM_018263.6(ASXL2):c.2701G>A (p.Val901Ile)

Gene: ASXL2 (ASXL transcriptional regulator 2; minus strand). Cytogenetic location: 2p23.3.
Variant type: single nucleotide variant.
Coding change: c.2701G>A on transcript NM_018263.6 (MANE Select); coding-DNA position 2701, G replaced by A.
Protein change: p.Val901Ile; replaces valine 901 with isoleucine.
Molecular consequence: missense variant.
Genome position (GRCh38, 1-based): chr2:25,743,636, C>T on the plus strand (G>A on the coding strand, the complement: ASXL2 is on the minus strand). VCF-style: chr2-25743636-C-T. GRCh37 (hg19) VCF-style: chr2-25966505-C-T.
Other names: c.2701G>A (NM_018263.4); c.2527G>A, p.Val843Ile (NM_001369346.1); c.1921G>A, p.Val641Ile (NM_001369347.1); short protein forms V901I, V641I, V843I.
Identifiers: ClinVar variation 1944160 (VCV001944160.6), dbSNP rs2087883765, ClinGen allele CA346080482.

ClinVar aggregate classification (germline): Uncertain significance. Review status: criteria provided, multiple submitters, no conflicts (2 of 4 stars). 2 submissions from 2 submitters: Uncertain significance (2). Last evaluated 2025-11-26.

Conditions:
Inborn genetic diseases. Identifiers: MedGen C0950123, MeSH D030342.

Allele frequency attached by ClinVar (database versions not stated): TOPMed 0.00001.

Submissions (2):

Ambry Genetics
Classification: Uncertain significance for Inborn genetic diseases. Last evaluated: 2025-11-26. Review status: criteria provided, single submitter. Criteria: Ambry Variant Classification Scheme 2023. Collection method: clinical testing. Allele origin: germline.

Labcorp Genetics (formerly Invitae), Labcorp
Classification: Uncertain significance. Last evaluated: 2022-09-10. Review status: criteria provided, single submitter. Criteria: Invitae Variant Classification Sherloc (09022015). Collection method: clinical testing. Allele origin: germline.
Comment: In summary, the available evidence is currently insufficient to determine the role of this variant in disease. Therefore, it has been classified as a Variant of Uncertain Significance. This sequence change replaces valine, which is neutral and non-polar, with isoleucine, which is neutral and non-polar, at codon 901 of the ASXL2 protein (p.Val901Ile). This variant is not present in population databases (gnomAD no frequency). This variant has not been reported in the literature in individuals affected with ASXL2-related conditions. Algorithms developed to predict the effect of missense changes on protein structure and function output the following: SIFT: "Tolerated"; PolyPhen-2: "Not Available"; Align-GVGD: "Class C0". The isoleucine amino acid residue is found in multiple mammalian species, which suggests that this missense change does not adversely affect protein function.